The following is an entry in ClinVar:

ClinVar aggregate classification (germline): Uncertain significance. Review status: criteria provided, single submitter (1 of 4 stars). 3 submissions from 3 submitters: Uncertain significance (1). 2 of the submissions do not count toward it. Last evaluated 2021-12-10.

Conditions:
NPC2-related disorder. Also called: NPC2-related condition.
Niemann-Pick disease, type C2 (NPC2). Identifiers: Orphanet 646, MedGen C1843366, MONDO:0011873, OMIM 607625.

Allele frequency attached by ClinVar (database versions not stated): gnomAD exomes 0.00004; ExAC 0.00006; gnomAD 0.00007 and 0.00008; TOPMed 0.00009.
gnomAD v4.1: 262 of 1,612,800 alleles (0.016%); highest among the groups gnomAD compares: Non-Finnish European, 0.021%; no homozygotes.

Submissions (3):

Revvity Omics, Revvity
Classification: Uncertain significance for Niemann-Pick disease, type C2. Last evaluated: 2021-12-10. Review status: criteria provided, single submitter. Criteria: ACMG Guidelines, 2015. Collection method: clinical testing. Allele origin: germline.

PreventionGenetics, part of Exact Sciences
Classification: Likely benign for NPC2-related condition. Last evaluated: 2022-09-23. Review status: no assertion criteria provided. Collection method: clinical testing. Allele origin: germline. Not counted in ClinVar's aggregate classification.
Comment: This variant is classified as likely benign based on ACMG/AMP sequence variant interpretation guidelines (Richards et al. 2015 PMID: 25741868, with internal and published modifications).

Natera, Inc.
Classification: Uncertain significance for Niemann-Pick disease type C2. Last evaluated: 2020-04-18. Review status: no assertion criteria provided. Collection method: clinical testing. Allele origin: germline. Not counted in ClinVar's aggregate classification.

NM_006432.5(NPC2):c.-1G>C

Gene: NPC2 (NPC intracellular cholesterol transporter 2; minus strand). Cytogenetic location: 14q24.3.
Variant type: single nucleotide variant.
Coding change: c.-1G>C on transcript NM_006432.5 (MANE Select); 1 bases upstream of the start codon, G replaced by C.
Molecular consequence: 5 prime UTR variant.
Genome position (GRCh38, 1-based): chr14:74,493,275, C>G on the plus strand (G>C on the coding strand, the complement: NPC2 is on the minus strand). VCF-style: chr14-74493275-C-G. GRCh37 (hg19) VCF-style: chr14-74959978-C-G.
Other names: c.-1G>C (NM_001363688.1, NM_001375440.1, NM_006432.3 and 1 more transcripts).
Identifiers: ClinVar variation 990181 (VCV000990181.6), dbSNP rs756433737, ClinGen allele CA7268221.